The following is an entry in ClinVar:

ClinVar aggregate classification (germline): Uncertain significance (1 of 4 stars; one submission).

Submission:

ARUP Laboratories, Molecular Genetics and Genomics, ARUP Laboratories
Classification: Uncertain significance. Last evaluated: 2025-03-19. Review status: criteria provided, single submitter. Criteria: ARUP Molecular Germline Variant Investigation Process 2024. Collection method: clinical testing. Allele origin: germline.
Comment: The EPHB4 c.2899C>T; p.His967Tyr variant, to our knowledge, is not reported in the medical literature or gene specific databases. This variant is also absent from the Genome Aggregation Database (v2.1.1), indicating it is not a common polymorphism. Computational analyses predict that this variant is neutral (REVEL: 0.076). Due to limited information, the clinical significance of this variant is uncertain at this time.

NM_004444.5(EPHB4):c.2899C>T (p.His967Tyr)

Gene: EPHB4 (EPH receptor B4; minus strand). Cytogenetic location: 7q22.1.
Variant type: single nucleotide variant.
Coding change: c.2899C>T on transcript NM_004444.5 (MANE Select); coding-DNA position 2899, C replaced by T.
Protein change: p.His967Tyr; replaces histidine 967 with tyrosine.
Molecular consequence: missense variant.
Genome position (GRCh38, 1-based): chr7:100,803,526, G>A on the plus strand (C>T on the coding strand, the complement: EPHB4 is on the minus strand). VCF-style: chr7-100803526-G-A. GRCh37 (hg19) VCF-style: chr7-100401148-G-A.
Other names: short protein forms H967Y.
Identifiers: ClinVar variation 4685704 (VCV004685704.1).
Genomic context (GRCh38, chr7:100,803,526, plus strand): 5'-ACTGCGGGGCCGGTCCTCCTGTCCCACCCGGGGTTCCCGGCTTGGCCTGGGACTTCATGT[G>A]CTGGACACTGGCCAAGATTTTCTTCTGGTGTCCCGCCAGAGTGACTCCGATTCGGAGCAG-3'
Protein context (NP_004435.3, residues 957-977): HQKKILASVQ[His967Tyr]MKSQAKPGTP